The following is an entry in ClinVar:

NM_030665.4(RAI1):c.627dup (p.Pro210fs)

Gene: RAI1 (retinoic acid induced 1; plus strand). Cytogenetic location: 17p11.2.
Variant type: Duplication.
Coding change: c.627dup on transcript NM_030665.4 (MANE Select); coding-DNA position 627, one base duplicated (T; older notation c.627dupT).
Protein change: p.Pro210fs; shifts the reading frame from proline 210.
Molecular consequence: frameshift variant.
Genome position (GRCh38, 1-based): chr17:17,793,575, T duplicated; the last of 3 consecutive T bases (chr17:17,793,573-17,793,575); duplicating any one gives the same sequence. VCF-style (leftmost placement, unchanged base first): chr17-17793572-C-CT. GRCh37 (hg19) VCF-style: chr17-17696886-C-CT.
Other names: short protein forms P210fs.
Identifiers: ClinVar variation 3899337 (VCV003899337.2).
Genomic context (GRCh38, chr17:17,793,572, plus strand): 5'-CCAAAGGCAGAAGCTGCAGAACGACATTGCCTCCCCTCTGCCCTTCCCCCAGGGTACCCA[C>CT]TTTCCTCAGCATTCCCAGTCCTTCCCCACCTCCTCCACCTACTCCTCCTCTGTCCAGGGT-3'

ClinVar aggregate classification (germline): Pathogenic (1 of 4 stars; one submission).

Conditions:
Smith-Magenis syndrome (SMS). Also called: CHROMOSOME 17p11.2 DELETION SYNDROME. Identifiers: Orphanet 819, MedGen C0795864, MONDO:0008434, OMIM 182290.

Submission:

Juno Genomics, Hangzhou Juno Genomics, Inc
Classification: Pathogenic for Smith-Magenis syndrome. Review status: criteria provided, single submitter. Criteria: ACMG Guidelines, 2015. Collection method: clinical testing. Allele origin: germline. Affected: yes.
Comment: Absent from controls (or at extremely low frequency if recessive) in Genome Aggregation Database, Exome Sequencing Project, 1000 Genomes Project, or Exome Aggregation Consortium.;De novo (both maternity and paternity confirmed) in a patient with the disease and no family history.;Null variant in a gene where loss of function (LOF) is a known mechanism of disease.